The following is an entry in ClinVar:

NM_001365276.2(TNXB):c.11332C>T (p.Pro3778Ser)

Genes: TNXB (tenascin XB; minus strand), LOC106780803 (tenascin XB recombination region; plus strand). Cytogenetic location: 6p21.33.
Variant type: single nucleotide variant.
Coding change: c.11332C>T on transcript NM_001365276.2 (MANE Select); coding-DNA position 11332, C replaced by T.
Protein change: p.Pro3778Ser; replaces proline 3778 with serine.
Molecular consequence: missense variant.
Genome position (GRCh38, 1-based): chr6:32,044,061, G>A on the plus strand (C>T on the coding strand, the complement: TNXB is on the minus strand). VCF-style: chr6-32044061-G-A. GRCh37 (hg19) VCF-style: chr6-32011838-G-A.
Other names: c.12073C>T, p.Pro4025Ser (NM_001428335.1); c.11326C>T, p.Pro3776Ser (NM_019105.8); c.619C>T, p.Pro207Ser (NM_032470.4); short protein forms P207S, P3776S, P3778S, P4025S.
Identifiers: ClinVar variation 3389357 (VCV003389357.14).

ClinVar aggregate classification (germline): Uncertain significance (1 of 4 stars; one submission).

Submission:

CeGaT Center for Human Genetics Tuebingen
Classification: Uncertain significance. Last evaluated: 2024-09-01. Review status: criteria provided, single submitter. Criteria: CeGaT Center For Human Genetics Tuebingen Variant Classification Criteria Version 2. Collection method: clinical testing. Allele origin: germline. Affected: yes. Observed: 1 variant allele.
Comment: TNXB: PM2, PP2, BP4